The following is an entry in ClinVar:

ClinVar aggregate classification (germline): Conflicting classifications of pathogenicity. Review status: criteria provided, conflicting classifications (1 of 4 stars). 3 submissions from 3 submitters: Likely pathogenic (1); Uncertain significance (2). Last evaluated 2021-10-28.

Conditions:
Alpha thalassemia-X-linked intellectual disability syndrome (ATRX). Also called: ALPHA-THALASSEMIA/MENTAL RETARDATION SYNDROME, X-LINKED; ATR, NONDELETION TYPE; ALPHA-THALASSEMIA/IMPAIRED INTELLECTUAL DEVELOPMENT SYNDROME, X-LINKED; X-linked alpha-thalassemia-mental retardation syndrome; ATR-X syndrome; Alpha thalassemia mental retardation syndrome, nondeletion type, X-linked. Identifiers: Orphanet 847, MedGen C1845055, MONDO:0010519, OMIM 301040.
Inborn genetic diseases. Identifiers: MedGen C0950123, MeSH D030342.

Submissions (3):

Labcorp Genetics (formerly Invitae), Labcorp
Classification: Uncertain significance for Alpha thalassemia-X-linked intellectual disability syndrome. Last evaluated: 2021-10-28. Review status: criteria provided, single submitter. Criteria: Invitae Variant Classification Sherloc (09022015). Collection method: clinical testing. Allele origin: germline.
Comment: ClinVar contains an entry for this variant (Variation ID: 520958). This variant has not been reported in the literature in individuals affected with ATRX-related conditions. This variant is not present in population databases (gnomAD no frequency). This sequence change replaces glutamic acid, which is acidic and polar, with aspartic acid, which is acidic and polar, at codon 1757 of the ATRX protein (p.Glu1757Asp). Algorithms developed to predict the effect of missense changes on protein structure and function (SIFT, PolyPhen-2, Align-GVGD) all suggest that this variant is likely to be disruptive. In summary, the available evidence is currently insufficient to determine the role of this variant in disease. Therefore, it has been classified as a Variant of Uncertain Significance.

Women's Health and Genetics/Laboratory Corporation of America, LabCorp
Classification: Uncertain significance. Last evaluated: 2020-06-08. Review status: criteria provided, single submitter. Criteria: LabCorp Variant Classification Summary - May 2015. Collection method: clinical testing. Allele origin: germline.
Comment: Variant summary: ATRX c.5271G>C (p.Glu1757Asp) results in a conservative amino acid change located in the SNF2-related, N-terminal domain (IPR000330) of the encoded protein sequence. Three of five in-silico tools predict a damaging effect of the variant on protein function. At the nucleotide level, it alters a non-conserved penultimate nucleotide located at the end of exon 20 near the canonical splice donor site. 4/4 computational tools predict no significant impact on normal splicing. However, these predictions have yet to be confirmed by functional studies. The variant was absent in 181739 control chromosomes. The available data on variant occurrences in the general population are insufficient to allow any conclusion about variant significance. To our knowledge, no occurrence of c.5271G>C in individuals affected with ATR-X Syndrome and no experimental evidence demonstrating its impact on protein function have been reported. One clinical diagnostic laboratory has submitted clinical-significance assessments for this variant to ClinVar after 2014 without evidence for independent evaluation and classified the variant as uncertain significance citing gene specific literature that does not include this specific variant. Based on the evidence outlined above, the variant was classified as uncertain significance.

Ambry Genetics
Classification: Likely pathogenic for Inborn genetic diseases. Last evaluated: 2016-09-06. Review status: criteria provided, single submitter. Criteria: Ambry exome assertion method (8-5-2015). Collection method: clinical testing. Allele origin: germline. Affected: yes. Observed: 1 variant allele.

Literature cited by the submitters: PubMed 18409179 (cited by Ambry Genetics); PubMed 21505078 (cited by Ambry Genetics); PubMed 16935875 (cited by Ambry Genetics).

NM_000489.6(ATRX):c.5271G>C (p.Glu1757Asp)

Gene: ATRX (ATRX chromatin remodeler; minus strand). Cytogenetic location: Xq21.1.
Variant type: single nucleotide variant.
Coding change: c.5271G>C on transcript NM_000489.6 (MANE Select); coding-DNA position 5271, G replaced by C.
Protein change: p.Glu1757Asp; replaces glutamic acid 1757 with aspartic acid.
Molecular consequence: missense variant.
Genome position (GRCh38, 1-based): chrX:77,620,396, C>G on the plus strand (G>C on the coding strand, the complement: ATRX is on the minus strand). VCF-style: chrX-77620396-C-G. GRCh37 (hg19) VCF-style: chrX-76875864-C-G.
Other names: c.5157G>C, p.Glu1719Asp (NM_138270.5); short protein forms E1757D, E1719D.
Identifiers: ClinVar variation 520958 (VCV000520958.11), dbSNP rs141240580, ClinGen allele CA413701291.